The following is an entry in ClinVar:

NM_000372.5(TYR):c.819+8A>G

Gene: TYR (tyrosinase; plus strand). Cytogenetic location: 11q14.3.
Variant type: single nucleotide variant.
Coding change: c.819+8A>G on transcript NM_000372.5 (MANE Select); 8 bases into the intron after coding-DNA position 819, A replaced by G.
Molecular consequence: intron variant.
Genome position (GRCh38, 1-based): chr11:89,178,780, A>G. VCF-style: chr11-89178780-A-G. GRCh37 (hg19) VCF-style: chr11-88911948-A-G.
Identifiers: ClinVar variation 2672480 (VCV002672480.27), dbSNP rs371040611, ClinGen allele CA6221202.

ClinVar aggregate classification (germline): Likely benign. Review status: criteria provided, multiple submitters, no conflicts (2 of 4 stars). 3 submissions from 3 submitters: Likely benign (3). Last evaluated 2026-02-04.

Allele frequency attached by ClinVar (database versions not stated): gnomAD 0.00001; TOPMed 0.00002; gnomAD exomes 0.00003; ExAC 0.00008; ESP Exome Variant Server 0.00008.
gnomAD v4.1: 42 of 1,613,704 alleles (0.0026%); highest among the groups gnomAD compares: Non-Finnish European, 0.0033%; no homozygotes.

Submissions (3):

Labcorp Genetics (formerly Invitae), Labcorp
Classification: Likely benign. Last evaluated: 2026-02-04. Review status: criteria provided, single submitter. Criteria: Invitae Variant Classification Sherloc (09022015). Collection method: clinical testing. Allele origin: germline.

CeGaT Center for Human Genetics Tuebingen
Classification: Likely benign. Last evaluated: 2023-11-01. Review status: criteria provided, single submitter. Criteria: CeGaT Center For Human Genetics Tuebingen Variant Classification Criteria Version 2. Collection method: clinical testing. Allele origin: germline. Affected: yes. Observed: 1 variant allele.
Comment: TYR: BP4

Blueprint Genetics
Classification: Likely benign. Last evaluated: 2023-07-10. Review status: criteria provided, single submitter. Criteria: ACMG Guidelines, 2015. Collection method: clinical testing. Allele origin: germline.